The following is an entry in ClinVar:

ClinVar aggregate classification (germline): Likely pathogenic. Review status: criteria provided, single submitter (1 of 4 stars). 3 submissions from 3 submitters: Likely pathogenic (1). 2 of the submissions do not count toward it. Last evaluated 2020-02-01.

Conditions:
Saldino-Mainzer syndrome (SRTD9). Also called: CONORENAL SYNDROME; SHORT-RIB THORACIC DYSPLASIA 9 WITHOUT POLYDACTYLY; short-rib thoracic dysplasia 9 with or without polydactyly; Renal dysplasia, retinal pigmentary dystrophy, cerebellar ataxia and skeletal dysplasia. Identifiers: Orphanet 140969, MedGen C1849437, MONDO:0009964, OMIM 266920.
Senior-Loken syndrome 8 (SLSN8). Identifiers: Orphanet 3156, MedGen C4225376, MONDO:0014579, OMIM 616307.
Asphyxiating thoracic dystrophy 5 (SRTD5). Also called: SHORT-RIB THORACIC DYSPLASIA 5 WITHOUT POLYDACTYLY; SHORT-RIB THORACIC DYSPLASIA 5 WITH OR WITHOUT POLYDACTYLY. Identifiers: Orphanet 474, MedGen C3280598, MONDO:0013717, OMIM 614376.

Allele frequency attached by ClinVar (database versions not stated): gnomAD exomes below 0.00001; ExAC 0.00001.
gnomAD v4.1: 1 of 1,594,398 alleles (0.000063%); highest among the groups gnomAD compares: Non-Finnish European, 0.000085%; no homozygotes.

Submissions (3):

Molecular Biology Laboratory, Fundació Puigvert
Classification: Likely pathogenic for Senior-Loken syndrome 8. Last evaluated: 2020-02-01. Review status: criteria provided, single submitter. Criteria: ACMG Guidelines, 2015. Collection method: research. Allele origin: paternal. Affected: yes. Study: KidneyPanel_2020.

OMIM
Classification: Pathogenic for SHORT-RIB THORACIC DYSPLASIA 5 WITHOUT POLYDACTYLY. Last evaluated: 2022-05-02. Review status: no assertion criteria provided. Collection method: literature only. Allele origin: germline. Not counted in ClinVar's aggregate classification.

Fundación para la Investigación Sanitaria y Biomédica de la Comunidad Valenciana, FISABIO Oftalmología Médica
Classification: Pathogenic for Saldino-Mainzer syndrome. Last evaluated: 2018-02-19. Review status: no assertion criteria provided. Collection method: clinical testing. Allele origin: maternal. Inheritance: Autosomal recessive inheritance. Affected: yes. Observed: 1 compound heterozygote. Not counted in ClinVar's aggregate classification.
Comment: The variante c.2741C>A p.(Ala914Asp) located in exon 25 of WDR19 gene is a missense variant which predicas the change from the aminoacid Alanine (Ala194) to Aspartic acid of WDR19 protein. Ala914 aminoacid is preserve in the WDR19 ortholog proteins from other species as M Mulata, M. Musculus, D. Rerio, Drosophila o C. Elegans. This sequence variant has not been previously described in literature and is not present in the largest genome mutation database, The Human Mutation Database. This variant is not found in oblational databases as Exome Aggregation Consortium (ExAC) but it appears at Genome Aggregation Database (gnomAD) with a very low frequency (MAF=1/120578= 8.293e-06). Some algorithms for sequence variants pathogenicity prediction estimate that it is a pathogenic variant (Polyphen, SIFT, Mutation Taster, Mutation Assessor, FATHMM, MetaSVM, MetaLR).

Literature cited by the submitters: PubMed 33532864 (cited by Molecular Biology Laboratory, Fundació Puigvert); PubMed 33002628 (cited by OMIM).

NM_025132.4(WDR19):c.2741C>A (p.Ala914Asp)

Gene: WDR19 (WD repeat domain 19; plus strand). Cytogenetic location: 4p14.
Variant type: single nucleotide variant.
Coding change: c.2741C>A on transcript NM_025132.4 (MANE Select); coding-DNA position 2741, C replaced by A.
Protein change: p.Ala914Asp; replaces alanine 914 with aspartic acid.
Molecular consequence: missense variant.
Genome position (GRCh38, 1-based): chr4:39,253,157, C>A. VCF-style: chr4-39253157-C-A. GRCh37 (hg19) VCF-style: chr4-39254777-C-A.
Other names: c.[2741C>A] (NM_025132.4); c.2261C>A, p.Ala754Asp (NM_001317924.2); short protein forms A754D, A914D.
Identifiers: ClinVar variation 974371 (VCV000974371.4), dbSNP rs766616967, ClinGen allele CA2892185.